The following is an entry in ClinVar:

ClinVar aggregate classification (germline): Uncertain significance. Review status: criteria provided, multiple submitters, no conflicts (2 of 4 stars). 2 submissions from 2 submitters: Uncertain significance (2). Last evaluated 2022-02-10.

Conditions:
Microphthalmia, syndromic 9. Also called: Matthew-Wood syndrome; ANOPHTHALMIA, CLINICAL, WITH MILD FACIAL DYSMORPHISM AND VARIABLE MALFORMATIONS OF THE LUNG, HEART, AND DIAPHRAGM; ANOPHTHALMIA/MICROPHTHALMIA AND PULMONARY HYPOPLASIA; PULMONARY AGENESIS, MICROPHTHALMIA, AND DIAPHRAGMATIC DEFECT; SPEAR SYNDROME. Identifiers: Orphanet 2470, MedGen C1832661, MONDO:0011010, OMIM 601186.
Inborn genetic diseases. Identifiers: MedGen C0950123, MeSH D030342.

Allele frequency attached by ClinVar (database versions not stated): ExAC 0.00003; gnomAD 0.00005 and 0.00006; ESP Exome Variant Server 0.00008; gnomAD exomes 0.00008; TOPMed 0.00010.
gnomAD v4.1: 44 of 1,613,910 alleles (0.0027%); highest among the groups gnomAD compares: Admixed American, 0.038%; no homozygotes.

Submissions (2):

Labcorp Genetics (formerly Invitae), Labcorp
Classification: Uncertain significance for Microphthalmia, syndromic 9. Last evaluated: 2022-02-10. Review status: criteria provided, single submitter. Criteria: Invitae Variant Classification Sherloc (09022015). Collection method: clinical testing. Allele origin: germline.
Comment: In summary, the available evidence is currently insufficient to determine the role of this variant in disease. Therefore, it has been classified as a Variant of Uncertain Significance. Algorithms developed to predict the effect of missense changes on protein structure and function are either unavailable or do not agree on the potential impact of this missense change (SIFT: "Tolerated"; PolyPhen-2: "Possibly Damaging"; Align-GVGD: "Class C0"). This variant has not been reported in the literature in individuals affected with STRA6-related conditions. This variant is present in population databases (rs200483434, gnomAD 0.05%). This sequence change replaces threonine, which is neutral and polar, with methionine, which is neutral and non-polar, at codon 565 of the STRA6 protein (p.Thr565Met).

Ambry Genetics
Classification: Uncertain significance for Inborn genetic diseases. Last evaluated: 2021-08-10. Review status: criteria provided, single submitter. Criteria: Ambry Variant Classification Scheme 2023. Collection method: clinical testing. Allele origin: germline.

NM_022369.4(STRA6):c.1694C>T (p.Thr565Met)

Gene: STRA6 (signaling receptor and transporter of retinol STRA6; minus strand). Cytogenetic location: 15q24.1.
Variant type: single nucleotide variant.
Coding change: c.1694C>T on transcript NM_022369.4 (MANE Select); coding-DNA position 1694, C replaced by T.
Protein change: p.Thr565Met; replaces threonine 565 with methionine.
Molecular consequence: missense variant.
Genome position (GRCh38, 1-based): chr15:74,180,928, G>A on the plus strand (C>T on the coding strand, the complement: STRA6 is on the minus strand). VCF-style: chr15-74180928-G-A. GRCh37 (hg19) VCF-style: chr15-74473269-G-A.
Other names: c.1667C>T, p.Thr556Met (NM_001142619.2); c.1805C>T, p.Thr602Met (NM_001199040.2); c.1739C>T, p.Thr580Met (NM_001199041.2); c.1811C>T, p.Thr604Met (NM_001199042.2); c.1694C>T (NM_022369.3); c.1694C>T, p.Thr565Met (NM_001142617.2, NM_001142618.2); short protein forms T565M, T580M, T604M, T556M, T602M.
Identifiers: ClinVar variation 1353718 (VCV001353718.7), dbSNP rs200483434, ClinGen allele CA7654459.